The following is an entry in ClinVar:

NM_020163.3(SEMA3G):c.244C>T (p.Arg82Trp)

Gene: SEMA3G (semaphorin 3G; minus strand). Cytogenetic location: 3p21.1.
Variant type: single nucleotide variant.
Coding change: c.244C>T on transcript NM_020163.3 (MANE Select); coding-DNA position 244, C replaced by T.
Protein change: p.Arg82Trp; replaces arginine 82 with tryptophan.
Molecular consequence: missense variant.
Genome position (GRCh38, 1-based): chr3:52,442,779, G>A on the plus strand (C>T on the coding strand, the complement: SEMA3G is on the minus strand). VCF-style: chr3-52442779-G-A. GRCh37 (hg19) VCF-style: chr3-52476795-G-A.
Other names: short protein forms R82W.
Identifiers: ClinVar variation 3355783 (VCV003355783.2).

ClinVar aggregate classification (germline): Uncertain significance (1 of 4 stars; one submission).

Conditions:
SEMA3G-related disorder. Also called: SEMA3G-related condition.

gnomAD v4.1: 48 of 1,613,994 alleles (0.003%); highest among the groups gnomAD compares: Non-Finnish European, 0.0038%; no homozygotes.

Submission:

PreventionGenetics, part of Exact Sciences
Classification: Uncertain significance for SEMA3G-related condition. Last evaluated: 2024-10-29. Review status: criteria provided, single submitter. Criteria: ACMG Guidelines, 2015. Collection method: clinical testing. Allele origin: germline.
Comment: The SEMA3G c.244C>T variant is predicted to result in the amino acid substitution p.Arg82Trp. To our knowledge, this variant has not been reported in the literature. This variant is reported in 0.0044% of alleles in individuals of European (Non-Finnish) descent in gnomAD. At this time, the clinical significance of this variant is uncertain due to the absence of conclusive functional and genetic evidence.